The following is an entry in ClinVar:

ClinVar aggregate classification (germline): Likely pathogenic (1 of 4 stars; one submission).

Conditions:
3-hydroxyisobutyryl-CoA hydrolase deficiency. Also called: Reduced circulating 3-hydroxyisobutyryl-CoA hydrolase activity; Deficiency of 3-hydroxyisobutyryl CoA hydrolase; VALINE METABOLIC DEFECT; HIBCH DEFICIENCY; METHACRYLIC ACID TOXICITY; METHACRYLIC ACIDURIA. Identifiers: Orphanet 88639, MedGen C0342738, MONDO:0009603, OMIM 250620, HP:6000215.

Submission:

Juno Genomics, Hangzhou Juno Genomics, Inc
Classification: Likely pathogenic for 3-hydroxyisobutyryl-CoA hydrolase deficiency. Review status: criteria provided, single submitter. Criteria: ACMG Guidelines, 2015. Collection method: clinical testing. Allele origin: germline.
Comment: Null variant in a gene where loss of function (LOF) is a known mechanism of disease.;Absent from controls (or at extremely low frequency if recessive) in Genome Aggregation Database.

NM_014362.4(HIBCH):c.451_452del (p.Val152fs)

Gene: HIBCH (3-hydroxyisobutyryl-CoA hydrolase; minus strand). Cytogenetic location: 2q32.2.
Variant type: Microsatellite.
Coding change: c.451_452del on transcript NM_014362.4 (MANE Select); coding-DNA positions 451 to 452, 2 bases deleted (TC; older notation c.451_452delTC).
Protein change: p.Val152fs; shifts the reading frame from valine 152.
Molecular consequence: frameshift variant.
Genome position (GRCh38, 1-based): chr2:190,261,221-190,261,222, GA deleted on the plus strand (TC on the coding strand, the reverse complement: HIBCH is on the minus strand); deleting any 2 consecutive bases within chr2:190,261,221-190,261,226 gives the same sequence; the c. name uses the placement nearest the transcript's 3' end. VCF-style (leftmost placement, unchanged base first): chr2-190261220-TGA-T. GRCh37 (hg19) VCF-style: chr2-191125946-TGA-T.
Other names: c.451_452del, p.Val152fs (NM_198047.3); short protein forms V152fs.
Identifiers: ClinVar variation 5006181 (VCV005006181.2).
Genomic context (GRCh38, chr2:190,261,220, plus strand): 5'-TGCAGTTTCTGGCATAGCAAAAAGACACTTTTCTGTAGCCACTCGAAATTGCCCATGGAC[TGA>T]GAGACCAACTCCCTAGAGAAAAAAGGCAAAAAAAGAGGCGGGGGGGAATTAAACATATTG-3'